The following is an entry in ClinVar:

NM_007289.4(MME):c.1866G>A (p.Met622Ile)

Gene: MME (membrane metalloendopeptidase; plus strand). Cytogenetic location: 3q25.2.
Variant type: single nucleotide variant.
Coding change: c.1866G>A on transcript NM_007289.4 (MANE Select); coding-DNA position 1866, G replaced by A.
Protein change: p.Met622Ile; replaces methionine 622 with isoleucine.
Molecular consequence: missense variant.
Genome position (GRCh38, 1-based): chr3:155,168,577, G>A. VCF-style: chr3-155168577-G-A. GRCh37 (hg19) VCF-style: chr3-154886366-G-A.
Other names: c.1866G>A, p.Met622Ile (NM_000902.5, NM_001354642.2, NM_001354643.1 and 2 more transcripts); short protein forms M622I.
Identifiers: ClinVar variation 1486623 (VCV001486623.6), dbSNP rs777055350, ClinGen allele CA2675652.
Genomic context (GRCh38, chr3:155,168,577, plus strand): 5'-CCTCGTTGACTGGTGGACTCAACAGTCTGCAAGTAACTTTAAGGAGCAATCCCAGTGCAT[G>A]GTGTATCAGTATGGAAACTTTTCCTGGGACCTGGCAGGTGGACAGCACGTATGTCATTAG-3'
Protein context (NP_009220.2, residues 612-632): ASNFKEQSQC[Met622Ile]VYQYGNFSWD

ClinVar aggregate classification (germline): Uncertain significance (1 of 4 stars; one submission).

Allele frequency attached by ClinVar (database versions not stated): gnomAD exomes below 0.00001 and 0.00001; ExAC 0.00001.
gnomAD v4.1: 11 of 1,613,794 alleles (0.00068%); highest among the groups gnomAD compares: Non-Finnish European, 0.00093%; no homozygotes.

Submission:

Labcorp Genetics (formerly Invitae), Labcorp
Classification: Uncertain significance. Last evaluated: 2021-08-27. Review status: criteria provided, single submitter. Criteria: Invitae Variant Classification Sherloc (09022015). Collection method: clinical testing. Allele origin: germline.
Comment: In summary, the available evidence is currently insufficient to determine the role of this variant in disease. Therefore, it has been classified as a Variant of Uncertain Significance. Algorithms developed to predict the effect of missense changes on protein structure and function (SIFT, PolyPhen-2, Align-GVGD) all suggest that this variant is likely to be tolerated. This variant has not been reported in the literature in individuals affected with MME-related conditions. This variant is present in population databases (rs777055350, ExAC 0.002%). This sequence change replaces methionine with isoleucine at codon 622 of the MME protein (p.Met622Ile). The methionine residue is moderately conserved and there is a small physicochemical difference between methionine and isoleucine.